The following is an entry in ClinVar:

NM_002055.5(GFAP):c.841G>A (p.Glu281Lys)

Gene: GFAP (glial fibrillary acidic protein; minus strand). Cytogenetic location: 17q21.31.
Variant type: single nucleotide variant.
Coding change: c.841G>A on transcript NM_002055.5 (MANE Select); coding-DNA position 841, G replaced by A.
Protein change: p.Glu281Lys; replaces glutamic acid 281 with lysine.
Molecular consequence: missense variant.
Genome position (GRCh38, 1-based): chr17:44,911,737, C>T on the plus strand (G>A on the coding strand, the complement: GFAP is on the minus strand). VCF-style: chr17-44911737-C-T. GRCh37 (hg19) VCF-style: chr17-42989105-C-T.
Other names: c.841G>A, p.Glu281Lys (NM_001131019.3, NM_001242376.3, NM_001363846.2); short protein forms E281K.
Identifiers: ClinVar variation 3722850 (VCV003722850.2).

ClinVar aggregate classification (germline): Uncertain significance (1 of 4 stars; one submission).

gnomAD v4.1: 2 of 1,614,018 alleles (0.00012%); highest among the groups gnomAD compares: Non-Finnish European, 0.00017%; no homozygotes.

Submission:

Labcorp Genetics (formerly Invitae), Labcorp
Classification: Uncertain significance. Last evaluated: 2024-04-01. Review status: criteria provided, single submitter. Criteria: Invitae Variant Classification Sherloc (09022015). Collection method: clinical testing. Allele origin: germline.
Comment: This sequence change replaces glutamic acid, which is acidic and polar, with lysine, which is basic and polar, at codon 281 of the GFAP protein (p.Glu281Lys). This variant is present in population databases (rs756652110, gnomAD 0.002%). This missense change has been observed in individual(s) with GFAP-related conditions (PMID: 26633542). This variant is also known as c.731C>T (p.A244V). Advanced modeling of protein sequence and biophysical properties (such as structural, functional, and spatial information, amino acid conservation, physicochemical variation, residue mobility, and thermodynamic stability) has been performed at Invitae for this missense variant, however the output from this modeling did not meet the statistical confidence thresholds required to predict the impact of this variant on GFAP protein function. In summary, the available evidence is currently insufficient to determine the role of this variant in disease. Therefore, it has been classified as a Variant of Uncertain Significance.

Literature cited by the submitters: PubMed 26633542.